The following is an entry in ClinVar:

ClinVar aggregate classification (germline): Uncertain significance (1 of 4 stars; one submission).

Conditions:
Hereditary cancer-predisposing syndrome. Also called: Hereditary Cancer Syndrome; Hereditary neoplastic syndrome; Neoplastic Syndromes, Hereditary; Tumor predisposition. Identifiers: Orphanet 140162, MedGen C0027672, MeSH D009386, MONDO:0015356.

Submission:

Ambry Genetics
Classification: Uncertain significance for Hereditary cancer-predisposing syndrome. Last evaluated: 2021-11-01. Review status: criteria provided, single submitter. Criteria: Ambry Variant Classification Scheme 2023. Collection method: clinical testing. Allele origin: germline.
Comment: The p.P489A variant (also known as c.1465C>G), located in coding exon 9 of the MEN1 gene, results from a C to G substitution at nucleotide position 1465. The proline at codon 489 is replaced by alanine, an amino acid with highly similar properties. This amino acid position is well conserved in available vertebrate species. In addition, the in silico prediction for this alteration is inconclusive. Since supporting evidence is limited at this time, the clinical significance of this alteration remains unclear.

NM_001370259.2(MEN1):c.1465C>G (p.Pro489Ala)

Gene: MEN1 (menin 1; minus strand). Cytogenetic location: 11q13.1.
Variant type: single nucleotide variant.
Coding change: c.1465C>G on transcript NM_001370259.2 (MANE Select); coding-DNA position 1465, C replaced by G.
Protein change: p.Pro489Ala; replaces proline 489 with alanine.
Molecular consequence: missense variant.
Genome position (GRCh38, 1-based): chr11:64,804,702, G>C on the plus strand (C>G on the coding strand, the complement: MEN1 is on the minus strand). VCF-style: chr11-64804702-G-C. GRCh37 (hg19) VCF-style: chr11-64572174-G-C.
Other names: c.1480C>G, p.Pro494Ala (NM_000244.4, NM_001407145.1, NM_130800.3 and 4 more transcripts); c.1591C>G, p.Pro531Ala (NM_001370251.2, NM_001407142.1, NM_001407143.1 and 1 more transcripts); c.1465C>G, p.Pro489Ala (NM_001370260.2, NM_001370261.2, NM_001407146.1 and 2 more transcripts); c.1360C>G, p.Pro454Ala (NM_001370262.2, NM_001370263.2, NM_001407148.1 and 1 more transcripts); c.1606C>G, p.Pro536Ala (NM_001407150.1); c.1486C>G, p.Pro496Ala (NM_001407151.1); c.1300C>G, p.Pro434Ala (NM_001407152.1); short protein forms P454A, P536A, P494A, P496A, P531A, P434A, P489A.
Identifiers: ClinVar variation 1773237 (VCV001773237.2), dbSNP rs587778440, ClinGen allele CA381179139.